The following is an entry in ClinVar:

NM_000321.3(RB1):c.1859C>T (p.Thr620Met)

Gene: RB1 (RB transcriptional corepressor 1; plus strand). Cytogenetic location: 13q14.2.
Variant type: single nucleotide variant.
Coding change: c.1859C>T on transcript NM_000321.3 (MANE Select); coding-DNA position 1859, C replaced by T.
Protein change: p.Thr620Met; replaces threonine 620 with methionine.
Molecular consequence: missense variant.
Genome position (GRCh38, 1-based): chr13:48,456,248, C>T. VCF-style: chr13-48456248-C-T. GRCh37 (hg19) VCF-style: chr13-49030384-C-T.
Other names: short protein forms T620M.
Identifiers: ClinVar variation 527933 (VCV000527933.18), dbSNP rs554834063, ClinGen allele CA032831.
Genomic context (GRCh38, chr13:48,456,248, plus strand): 5'-CTTTAAATATATCTAGGTATCTTTCTCCTGTAAGATCTCCAAAGAAAAAAGGTTCAACTA[C>T]GCGTGTAAATTCTACTGCAAATGCAGAGACACAAGCAACCTCAGCCTTCCAGACCCAGAA-3'
Protein context (NP_000312.2, residues 610-630): VRSPKKKGST[Thr620Met]RVNSTANAET

ClinVar aggregate classification (germline): Conflicting classifications of pathogenicity. Review status: criteria provided, conflicting classifications (1 of 4 stars). 4 submissions from 4 submitters: Uncertain significance (1); Benign (1); Likely benign (2). Last evaluated 2026-06-22.

Conditions:
Retinoblastoma (RB1). Also called: RETINOBLASTOMA, SOMATIC. Identifiers: Orphanet 790, MedGen C0035335, MeSH D012175, MONDO:0008380, OMIM 180200, HP:0009919. Disease mechanism: loss of function. Inheritance: Both sporadic and heritable forms are tested..
Hereditary cancer-predisposing syndrome. Also called: Neoplastic Syndromes, Hereditary; Hereditary Cancer Syndrome; Hereditary neoplastic syndrome; Tumor predisposition. Identifiers: Orphanet 140162, MedGen C0027672, MeSH D009386, MONDO:0015356.

Allele frequency attached by ClinVar (database versions not stated): gnomAD exomes 0.00001 and 0.00003; gnomAD 0.00003; ExAC 0.00003.
gnomAD v4.1: 27 of 1,614,038 alleles (0.0017%); highest among the groups gnomAD compares: South Asian, 0.0044%; no homozygotes.

Submissions (4):

Myriad Genetics, Inc.
Classification: Likely benign for Retinoblastoma. Last evaluated: 2026-06-22. Review status: criteria provided, single submitter. Criteria: Myriad Autosomal Dominant, Autosomal Recessive and X-Linked Classification Criteria (2023). Collection method: clinical testing. Allele origin: unknown.
Comment: This variant is considered likely benign. This variant has been observed at a population frequency that is significantly greater than expected given the associated disease prevalence and penetrance.

Labcorp Genetics (formerly Invitae), Labcorp
Classification: Benign for Retinoblastoma. Last evaluated: 2025-10-30. Review status: criteria provided, single submitter. Criteria: Invitae Variant Classification Sherloc (09022015). Collection method: clinical testing. Allele origin: germline.

Ambry Genetics
Classification: Likely benign for Hereditary cancer-predisposing syndrome. Last evaluated: 2023-05-22. Review status: criteria provided, single submitter. Criteria: Ambry Variant Classification Scheme 2023. Collection method: clinical testing. Allele origin: germline.

St. Jude Molecular Pathology, St. Jude Children's Research Hospital
Classification: Uncertain significance for Retinoblastoma. Last evaluated: 2022-12-22. Review status: criteria provided, single submitter. Criteria: St. Jude Assertion Criteria 2020. Collection method: clinical testing. Allele origin: germline.
Comment: The RB1 c.1859C>T (p.Thr620Met) missense change has a maximum subpopulation frequency of 0.0065% in gnomAD v2.1.1. The in silico tool REVEL predicts a benign effect on protein function, but to our knowledge this prediction has not been confirmed by functional studies. To our knowledge, this variant has not been reported in the literature in individuals with retinoblastoma. In summary, the evidence currently available is insufficient to determine the clinical significance of this variant. It has therefore been classified as of uncertain significance.